The following is an entry in ClinVar:

ClinVar aggregate classification (germline): Benign. Review status: criteria provided, multiple submitters, no conflicts (2 of 4 stars). 3 submissions from 3 submitters: Benign (2). 1 of the submissions does not count toward it. Last evaluated 2019-12-31.

Conditions:
CRBN-related disorder. Also called: CRBN-related condition.

Allele frequency attached by ClinVar (database versions not stated): ESP Exome Variant Server 0.00138; gnomAD 0.00219 and 0.00186; ExAC 0.00250; 1000 Genomes Project 30x 0.00687; gnomAD exomes 0.00120 and 0.00236; TOPMed 0.00235; 1000 Genomes Project 0.00679.
gnomAD v4.1: 2,118 of 1,613,938 alleles (0.13%); highest among the groups gnomAD compares: East Asian, 3.1%; 28 homozygotes.

Submissions (3):

Labcorp Genetics (formerly Invitae), Labcorp
Classification: Benign. Last evaluated: 2019-12-31. Review status: criteria provided, single submitter. Criteria: Invitae Variant Classification Sherloc (09022015). Collection method: clinical testing. Allele origin: germline.

Breakthrough Genomics
Classification: Benign. Review status: criteria provided, single submitter. Criteria: ACMG Guidelines, 2015. Collection method: not provided. Allele origin: germline. Inheritance: Autosomal recessive inheritance. Affected: yes.

PreventionGenetics, part of Exact Sciences
Classification: Benign for CRBN-related condition. Last evaluated: 2019-07-12. Review status: no assertion criteria provided. Collection method: clinical testing. Allele origin: germline. Not counted in ClinVar's aggregate classification.
Comment: This variant is classified as benign based on ACMG/AMP sequence variant interpretation guidelines (Richards et al. 2015 PMID: 25741868, with internal and published modifications).

NM_016302.4(CRBN):c.1209G>A (p.Thr403=)

Genes: CRBN (cereblon; minus strand), TRNT1 (tRNA nucleotidyl transferase 1; plus strand). Cytogenetic location: 3p26.2.
Variant type: single nucleotide variant.
Coding change: c.1209G>A on transcript NM_016302.4 (MANE Select); coding-DNA position 1209, G replaced by A.
Protein change: p.Thr403=; no amino-acid change (threonine 403 retained).
Molecular consequence: synonymous variant. On other transcripts: 3 prime UTR variant (1), non-coding transcript variant (3).
Genome position (GRCh38, 1-based): chr3:3,150,985, C>T on the plus strand (G>A on the coding strand, the complement: CRBN is on the minus strand). VCF-style: chr3-3150985-C-T. GRCh37 (hg19) VCF-style: chr3-3192669-C-T.
Other names: c.*479C>T (NM_001367321.1); c.1206G>A, p.Thr402= (NM_001173482.1).
Identifiers: ClinVar variation 717902 (VCV000717902.9), dbSNP rs116847323, ClinGen allele CA2228993.